The following is an entry in ClinVar:

ClinVar aggregate classification (germline): Conflicting classifications of pathogenicity. Review status: criteria provided, conflicting classifications (1 of 4 stars). 12 submissions from 12 submitters: Uncertain significance (4); Likely benign (8). Last evaluated 2026-05-01.

Conditions:
TTN-related disorder. Also called: TTN-related condition; TTN-related disease; TTN-related disorders.
Cardiovascular phenotype. Identifiers: MedGen CN230736.
Dilated cardiomyopathy 1G (CMD1G). Identifiers: Orphanet 154, MedGen C1858763, MONDO:0011400, OMIM 604145.
Autosomal recessive limb-girdle muscular dystrophy type 2J (LGMDR10). Also called: Limb-girdle muscular dystrophy, type 2J; MUSCULAR DYSTROPHY, LIMB-GIRDLE, AUTOSOMAL RECESSIVE 10. Identifiers: Orphanet 140922, MedGen C1837342, MONDO:0012127, OMIM 608807.

Allele frequency attached by ClinVar (database versions not stated): 1000 Genomes Project 30x 0.00016; ExAC 0.00017; gnomAD exomes 0.00017 and 0.00036; 1000 Genomes Project 0.00020; TOPMed 0.00022; gnomAD 0.00030 and 0.00032; ESP Exome Variant Server 0.00033.
gnomAD v4.1: 582 of 1,612,660 alleles (0.036%); highest among the groups gnomAD compares: Non-Finnish European, 0.046%; 1 homozygote.

Submissions (12):

CeGaT Center for Human Genetics Tuebingen
Classification: Likely benign. Last evaluated: 2026-05-01. Review status: criteria provided, single submitter. Criteria: CeGaT Center For Human Genetics Tuebingen Variant Classification Criteria Version 2. Collection method: clinical testing. Allele origin: germline. Affected: yes. Observed: 1 variant allele.
Comment: TTN: BP4

Mayo Clinic Laboratories, Mayo Clinic
Classification: Likely benign. Last evaluated: 2025-10-30. Review status: criteria provided, single submitter. Criteria: ACMG Guidelines, 2015. Collection method: clinical testing. Allele origin: germline. Observed: 1 variant allele.
Comment: BP4_strong

PreventionGenetics, part of Exact Sciences
Classification: Likely benign for TTN-related condition. Last evaluated: 2025-07-05. Review status: criteria provided, single submitter. Criteria: ACMG Guidelines, 2015. Collection method: clinical testing. Allele origin: germline.
Comment: This variant is classified as likely benign based on ACMG/AMP sequence variant interpretation guidelines (Richards et al. 2015 PMID: 25741868, with internal and published modifications).

Women's Health and Genetics/Laboratory Corporation of America, LabCorp
Classification: Likely benign. Last evaluated: 2025-06-10. Review status: criteria provided, single submitter. Criteria: LabCorp Variant Classification Summary - May 2015. Collection method: clinical testing. Allele origin: germline.
Comment: Variant summary: TTN c.58969G>A (p.Asp19657Asn) results in a conservative amino acid change in the encoded protein sequence. Algorithms developed to predict the effect of missense changes on protein structure and function all suggest that this variant is likely to be tolerated. The variant allele was found at a frequency of 0.00036 in 1612660 control chromosomes, predominantly at a frequency of 0.00046 within the Non-Finnish European subpopulation in the gnomAD database, including 1 homozygote. The observed variant frequency within Non-Finnish European control individuals in the gnomAD database is approximately 1.18 fold of the estimated maximal expected allele frequency for a pathogenic variant in TTN causing Dilated Cardiomyopathy phenotype (0.00039). c.58969G>A has been observed in at-least one individual affected with arrhythmogenic right ventricular cardiomyopathy, without strong evidence of causality (example: Forleo_2017). These report(s) do not provide unequivocal conclusions about association of the variant with Dilated Cardiomyopathy. To our knowledge, no experimental evidence demonstrating an impact on protein function has been reported. The following publication has been ascertained in the context of this evaluation (PMID: 28750076). ClinVar contains an entry for this variant (Variation ID: 47238). Based on the evidence outlined above, the variant was classified as likely benign.

Blueprint Genetics
Classification: Likely benign. Last evaluated: 2024-10-14. Review status: criteria provided, single submitter. Criteria: ACMG Guidelines, 2015. Collection method: clinical testing. Allele origin: germline.

Revvity Omics, Revvity
Classification: Uncertain significance. Last evaluated: 2023-01-17. Review status: criteria provided, single submitter. Criteria: ACMG Guidelines, 2015. Collection method: clinical testing. Allele origin: germline.

GeneDx
Classification: Likely benign. Last evaluated: 2020-09-29. Review status: criteria provided, single submitter. Criteria: GeneDx Variant Classification Process June 2021. Collection method: clinical testing. Allele origin: germline. Affected: yes.

Ambry Genetics
Classification: Likely benign for Cardiovascular phenotype. Last evaluated: 2019-06-21. Review status: criteria provided, single submitter. Criteria: Ambry Variant Classification Scheme 2023. Collection method: clinical testing. Allele origin: germline.

Athena Diagnostics
Classification: Uncertain significance. Last evaluated: 2018-02-05. Review status: criteria provided, single submitter. Criteria: Athena Diagnostics Criteria. Collection method: clinical testing. Allele origin: germline.

Labcorp Genetics (formerly Invitae), Labcorp
Classification: Uncertain significance for Dilated cardiomyopathy 1G; Autosomal recessive limb-girdle muscular dystrophy type 2J. Last evaluated: 2017-12-07. Review status: criteria provided, single submitter. Criteria: Invitae Variant Classification Sherloc (09022015). Collection method: clinical testing. Allele origin: germline.

Eurofins Ntd Llc (ga)
Classification: Uncertain significance. Last evaluated: 2017-11-14. Review status: criteria provided, single submitter. Criteria: EGL Classification Definitions 2015. Collection method: clinical testing. Allele origin: germline. Observed: 5 variant alleles, 5 heterozygotes.

Laboratory for Molecular Medicine, Mass General Brigham Personalized Medicine
Classification: Likely benign. Last evaluated: 2012-08-08. Review status: criteria provided, single submitter. Criteria: LMM Criteria. Collection method: clinical testing. Allele origin: germline. Observed: 1 variant allele.
Comment: The Asp19657Asn variant in TTN has been identified in 4/8288 European American c hromosomes from a broad population by the NHLBI Exome Sequencing Project (dbSNP rs72646870). The variant amino acid (asparagi ne, Asn) is present in other mammalian species, strongly suggesting that this ch ange does not impact the protein. While a modifying role of this variant cannot be ruled out it is likely benign when present in isolation.

Literature cited by the submitters: PubMed 28750076 (cited by Women's Health and Genetics/Laboratory Corporation of America, LabCorp).

NM_001267550.2(TTN):c.66673G>A (p.Asp22225Asn)

Genes: TTN (titin; minus strand), TTN-AS1 (TTN antisense RNA 1; plus strand). Cytogenetic location: 2q31.2.
Variant type: single nucleotide variant.
Coding change: c.66673G>A on transcript NM_001267550.2 (MANE Select); coding-DNA position 66673, G replaced by A.
Protein change: p.Asp22225Asn; replaces aspartic acid 22225 with asparagine.
Molecular consequence: missense variant.
Genome position (GRCh38, 1-based): chr2:178,581,595, C>T on the plus strand (G>A on the coding strand, the complement: TTN is on the minus strand). VCF-style: chr2-178581595-C-T. GRCh37 (hg19) VCF-style: chr2-179446322-C-T.
Other names: p.D20584N:GAC>AAC; p.Asp20584Asn; c.61750G>A, p.Asp20584Asn (NM_001256850.1); c.58969G>A, p.Asp19657Asn (NM_133378.4); c.39478G>A, p.Asp13160Asn (NM_003319.4); c.39853G>A, p.Asp13285Asn (NM_133432.3); c.40054G>A, p.Asp13352Asn (NM_133437.4); short protein forms D22225N, D19657N, D20584N, D13160N, D13352N, D13285N.
Identifiers: ClinVar variation 47238 (VCV000047238.25), dbSNP rs72646870, ClinGen allele CA140414.